The following is an entry in ClinVar:

ClinVar aggregate classification (germline): Benign/Likely benign. Review status: criteria provided, multiple submitters, no conflicts (2 of 4 stars). 2 submissions from 2 submitters: Benign (1); Likely benign (1). Last evaluated 2025-10-03.

Conditions:
Diamond-Blackfan anemia. Also called: Blackfan Diamond syndrome; Aregenerative anemia chronic congenital; Red cell aplasia, pure hereditary; Congenital hypoplastic anemia; Aase syndrome. Identifiers: Orphanet 124, MedGen C1260899, MeSH D029503, MONDO:0015253, HP:0004810.
Diamond-Blackfan anemia 6 (DBA6). Also called: RPL5-Related Diamond-Blackfan Anemia. Identifiers: Orphanet 124, MedGen C2931850, MONDO:0012937, OMIM 612561.

Allele frequency attached by ClinVar (database versions not stated): gnomAD exomes 0.00002 and 0.00009; gnomAD 0.00004 and 0.00003; ExAC 0.00008; TOPMed 0.00006.
gnomAD v4.1: 36 of 1,609,092 alleles (0.0022%); highest among the groups gnomAD compares: East Asian, 0.078%; no homozygotes.

Submissions (2):

Labcorp Genetics (formerly Invitae), Labcorp
Classification: Likely benign for Diamond-Blackfan anemia. Last evaluated: 2025-10-03. Review status: criteria provided, single submitter. Criteria: Invitae Variant Classification Sherloc (09022015). Collection method: clinical testing. Allele origin: germline.

Illumina Laboratory Services, Illumina
Classification: Benign for Diamond-Blackfan anemia 6. Last evaluated: 2018-01-13. Review status: criteria provided, single submitter. Criteria: ICSL Variant Classification Criteria 13 December 2019. Collection method: clinical testing. Allele origin: germline.
Comment: This variant was observed in the ICSL laboratory as part of a predisposition screen in an ostensibly healthy population. It had not been previously curated by ICSL or reported in the Human Gene Mutation Database (HGMD: prior to June 1st, 2018), and was therefore a candidate for classification through an automated scoring system. Utilizing variant allele frequency, disease prevalence and penetrance estimates, and inheritance mode, an automated score was calculated to assess if this variant is too frequent to cause the disease. Based on the score and internal cut-off values, a variant classified as benign is not then subjected to further curation. The score for this variant resulted in a classification of benign for this disease.

NM_000969.5(RPL5):c.781G>C (p.Val261Leu)

Genes: DIPK1A (divergent protein kinase domain 1A; minus strand), RPL5 (ribosomal protein L5; plus strand). Cytogenetic location: 1p22.1.
Variant type: single nucleotide variant.
Coding change: c.781G>C on transcript NM_000969.5 (MANE Select); coding-DNA position 781, G replaced by C.
Protein change: p.Val261Leu; replaces valine 261 with leucine.
Molecular consequence: missense variant. On other transcripts: non-coding transcript variant (1), intron variant (1).
Genome position (GRCh38, 1-based): chr1:92,840,626, G>C. VCF-style: chr1-92840626-G-C. GRCh37 (hg19) VCF-style: chr1-93306183-G-C.
Other names: c.474+6557C>G (NM_001252273.2); short protein forms V261L.
Identifiers: ClinVar variation 298212 (VCV000298212.14), dbSNP rs773839391, ClinGen allele CA952558.